The following is an entry in ClinVar:

ClinVar aggregate classification (germline): Pathogenic. Review status: criteria provided, single submitter (1 of 4 stars). 2 submissions from 2 submitters: Pathogenic (1). 1 of the submissions does not count toward it. Last evaluated 2025-05-01.

Conditions:
Hemolytic anemia due to pyrimidine 5' nucleotidase deficiency (CNSHA8). Also called: UMPH1 DEFICIENCY; P5N DEFICIENCY; PYRIMIDINE 5-PRIME NUCLEOTIDASE DEFICIENCY, HEMOLYTIC ANEMIA DUE TO; HEMOLYTIC ANEMIA DUE TO P5N DEFICIENCY; HEMOLYTIC ANEMIA DUE TO UMPH1 DEFICIENCY. Identifiers: Orphanet 35120, MedGen C1849507, MONDO:0009946, OMIM 266120.

Allele frequency attached by ClinVar (database versions not stated): ExAC 0.00001; gnomAD 0.00001; gnomAD exomes 0.00001 and 0.00007; TOPMed 0.00003.

Submissions (2):

Labcorp Genetics (formerly Invitae), Labcorp
Classification: Pathogenic. Last evaluated: 2025-05-01. Review status: criteria provided, single submitter. Criteria: Invitae Variant Classification Sherloc (09022015). Collection method: clinical testing. Allele origin: germline.
Comment: This sequence change creates a premature translational stop signal (p.Gln177*) in the NT5C3A gene. It is expected to result in an absent or disrupted protein product. Loss-of-function variants in NT5C3A are known to be pathogenic (PMID: 12714505). This variant is present in population databases (rs104894026, gnomAD 0.002%). This premature translational stop signal has been observed in individual(s) with Pyrimidine 5'-nucleotidase deficiency (PMID: 11369620). ClinVar contains an entry for this variant (Variation ID: 4480). For these reasons, this variant has been classified as Pathogenic.

OMIM
Classification: Pathogenic for ANEMIA, CONGENITAL, NONSPHEROCYTIC HEMOLYTIC, 8. Last evaluated: 2001-06-01. Review status: no assertion criteria provided. Collection method: literature only. Allele origin: germline. Not counted in ClinVar's aggregate classification.

Literature cited by the submitters: PubMed 12714505 (cited by Labcorp Genetics (formerly Invitae), Labcorp); PubMed 11369620 (cited by Labcorp Genetics (formerly Invitae), Labcorp and OMIM).

NM_001002010.5(NT5C3A):c.631C>T (p.Gln211Ter)

Gene: NT5C3A (5'-nucleotidase, cytosolic IIIA; minus strand). Cytogenetic location: 7p14.3.
Variant type: single nucleotide variant.
Coding change: c.631C>T on transcript NM_001002010.5 (MANE Select); coding-DNA position 631, C replaced by T.
Protein change: p.Gln211Ter; replaces glutamine 211 with a stop codon.
Molecular consequence: nonsense.
Genome position (GRCh38, 1-based): chr7:33,017,501, G>A on the plus strand (C>T on the coding strand, the complement: NT5C3A is on the minus strand). VCF-style: chr7-33017501-G-A. GRCh37 (hg19) VCF-style: chr7-33057113-G-A.
Other names: c.529C>T, p.Gln177Ter (NM_001002009.3, NM_016489.14); c.493C>T, p.Gln165Ter (NM_001166118.3, NM_001356996.3, NM_001374336.1 and 1 more transcripts); c.532C>T, p.Gln178Ter (NM_001374335.1); c.631C>T, p.Gln211Ter (NM_001374338.1); c.430C>T, p.Gln144Ter (NM_001374339.1); short protein forms Q177*, Q165*, Q211*, Q144*, Q178*.
Identifiers: ClinVar variation 4480 (VCV000004480.3), dbSNP rs104894026, ClinGen allele CA116883.